The following is an entry in ClinVar:

ClinVar aggregate classification (germline): Uncertain significance (1 of 4 stars; one submission).

Conditions:
MOGS-congenital disorder of glycosylation. Also called: CDG 2B; GLUCOSIDASE I DEFICIENCY; CDG IIb; MOGS-CDG. Identifiers: Orphanet 79330, MedGen C1853736, MONDO:0011629, OMIM 606056.

Allele frequency attached by ClinVar (database versions not stated): gnomAD exomes 0.00002 and 0.00004; gnomAD 0.00003 and 0.00004; TOPMed 0.00004; ExAC 0.00008.
gnomAD v4.1: 38 of 1,534,904 alleles (0.0025%); highest among the groups gnomAD compares: Admixed American, 0.012%; no homozygotes.

Submission:

Labcorp Genetics (formerly Invitae), Labcorp
Classification: Uncertain significance for MOGS-congenital disorder of glycosylation. Last evaluated: 2022-08-14. Review status: criteria provided, single submitter. Criteria: Invitae Variant Classification Sherloc (09022015). Collection method: clinical testing. Allele origin: germline.
Comment: This sequence change replaces arginine, which is basic and polar, with lysine, which is basic and polar, at codon 21 of the MOGS protein (p.Arg21Lys). This variant is present in population databases (rs755120968, gnomAD 0.02%). This variant has not been reported in the literature in individuals affected with MOGS-related conditions. ClinVar contains an entry for this variant (Variation ID: 1394299). Algorithms developed to predict the effect of missense changes on protein structure and function (SIFT, PolyPhen-2, Align-GVGD) all suggest that this variant is likely to be tolerated. In summary, the available evidence is currently insufficient to determine the role of this variant in disease. Therefore, it has been classified as a Variant of Uncertain Significance.

NM_006302.3(MOGS):c.62G>A (p.Arg21Lys)

Gene: MOGS (mannosyl-oligosaccharide glucosidase; minus strand). Cytogenetic location: 2p13.1.
Variant type: single nucleotide variant.
Coding change: c.62G>A on transcript NM_006302.3 (MANE Select); coding-DNA position 62, G replaced by A.
Protein change: p.Arg21Lys; replaces arginine 21 with lysine.
Molecular consequence: missense variant. On other transcripts: intron variant (1).
Genome position (GRCh38, 1-based): chr2:74,465,186, C>T on the plus strand (G>A on the coding strand, the complement: MOGS is on the minus strand). VCF-style: chr2-74465186-C-T. GRCh37 (hg19) VCF-style: chr2-74692313-C-T.
Other names: c.-59+128G>A (NM_001146158.2); short protein forms R21K.
Identifiers: ClinVar variation 1394299 (VCV001394299.5), dbSNP rs755120968, ClinGen allele CA1725122.
Genomic context (GRCh38, chr2:74,465,186, plus strand): 5'-GCCGTGCTACGCGGCCCGCCGCCCCGGCCGTCCCGTCGCCCGGGGCCTCCCCGAGCCGCC[C>T]TCTCGGCTGTCCGCACTCCCTCTGCCGGCACTGCGCGGCGCCGCCGCTCGCCCCGAGCCA-3'
Protein context (NP_006293.2, residues 11-31): VPAEGVRTAE[Arg21Lys]AARGGPGRRD